The following is an entry in ClinVar:

NM_000038.6(APC):c.449_450del (p.Lys150fs)

Gene: APC (APC regulator of Wnt signaling pathway; plus strand). Cytogenetic location: 5q22.2.
Variant type: Deletion.
Coding change: c.449_450del on transcript NM_000038.6 (MANE Select); coding-DNA positions 449 to 450, 2 bases deleted (AA; older notation c.449_450delAA).
Protein change: p.Lys150fs; shifts the reading frame from lysine 150.
Molecular consequence: frameshift variant. On other transcripts: 5 prime UTR variant (4), non-coding transcript variant (2).
Genome position (GRCh38, 1-based): chr5:112,775,655-112,775,656, AA deleted; deleting any 2 consecutive bases within chr5:112,775,654-112,775,656 gives the same sequence; the c. name uses the placement nearest the transcript's 3' end. VCF-style (leftmost placement, unchanged base first): chr5-112775653-CAA-C. GRCh37 (hg19) VCF-style: chr5-112111350-CAA-C.
Other names: c.449_450del, p.Lys150fs (NM_001127510.3, NM_001354895.2, NM_001354896.2 and 16 more transcripts); c.479_480del, p.Lys160fs (NM_001127511.3, NM_001354897.2, NM_001354902.2 and 1 more transcripts); c.374_375del, p.Lys125fs (NM_001354898.2, NM_001354904.2, NM_001407451.1); c.272_273del, p.Lys91fs (NM_001354900.2, NM_001354901.2, NM_001354905.2 and 1 more transcripts); c.-587_-586del (NM_001354906.2, NM_001407470.1, NM_001407471.1 and 1 more transcripts); short protein forms K125fs, K150fs, K160fs, K91fs.
Identifiers: ClinVar variation 2583917 (VCV002583917.1), dbSNP rs2532411893, ClinGen allele CA658760428.
Genomic context (GRCh38, chr5:112,775,653, plus strand): 5'-GTTTAAACGTACCTTTTTTTAAAAAAAAAAAAATAGGTCATTGCTTCTTGCTGATCTTGA[CAA>C]AGAAGAAAAGGAAAAAGACTGGTATTACGCTCAACTTCAGAATCTCACTAAAAGAATAGA-3'

ClinVar aggregate classification (germline): Pathogenic (1 of 4 stars; one submission).

Conditions:
Familial adenomatous polyposis 1 (FAP1). Also called: FAMILIAL ADENOMATOUS POLYPOSIS 1, ATTENUATED; POLYPOSIS, ADENOMATOUS INTESTINAL. Identifiers: MedGen C2713442, MONDO:0021056, OMIM 175100. Disease mechanism: loss of function.

Submission:

Myriad Genetics, Inc.
Classification: Pathogenic for Familial adenomatous polyposis 1. Last evaluated: 2023-04-26. Review status: criteria provided, single submitter. Criteria: Myriad Autosomal Dominant, Autosomal Recessive and X-Linked Classification Criteria (2023). Collection method: clinical testing. Allele origin: unknown.
Comment: This variant is considered pathogenic. This variant creates a frameshift predicted to result in premature protein truncation.